The following is an entry in ClinVar:

ClinVar aggregate classification (germline): Uncertain significance (1 of 4 stars; one submission).

Conditions:
Acromesomelic dysplasia 1, Maroteaux type (AMD1). Also called: ST. HELENA DYSPLASIA; ACROMESOMELIC DYSPLASIA 1. Identifiers: Orphanet 40, MedGen C1864356, MONDO:0011275, OMIM 602875.
Tall stature-scoliosis-macrodactyly of the great toes syndrome. Also called: Epiphyseal chondrodysplasia, miura type. Identifiers: Orphanet 329191, MedGen C4014690, MONDO:0014401, OMIM 615923.

Allele frequency attached by ClinVar (database versions not stated): gnomAD exomes 0.00001; ExAC 0.00002.
gnomAD v4.1: 8 of 1,613,994 alleles (0.0005%); highest among the groups gnomAD compares: South Asian, 0.0088%; no homozygotes.

Submission:

Labcorp Genetics (formerly Invitae), Labcorp
Classification: Uncertain significance for Tall stature-scoliosis-macrodactyly of the great toes syndrome; Acromesomelic dysplasia 1, Maroteaux type. Last evaluated: 2024-02-23. Review status: criteria provided, single submitter. Criteria: Invitae Variant Classification Sherloc (09022015). Collection method: clinical testing. Allele origin: germline.
Comment: This sequence change replaces glutamine, which is neutral and polar, with arginine, which is basic and polar, at codon 953 of the NPR2 protein (p.Gln953Arg). This variant is present in population databases (rs770047763, gnomAD 0.01%). This variant has not been reported in the literature in individuals affected with NPR2-related conditions. Advanced modeling of protein sequence and biophysical properties (such as structural, functional, and spatial information, amino acid conservation, physicochemical variation, residue mobility, and thermodynamic stability) performed at Invitae indicates that this missense variant is not expected to disrupt NPR2 protein function with a negative predictive value of 80%. In summary, the available evidence is currently insufficient to determine the role of this variant in disease. Therefore, it has been classified as a Variant of Uncertain Significance.

NM_003995.4(NPR2):c.2858A>G (p.Gln953Arg)

Genes: NPR2 (natriuretic peptide receptor 2; plus strand), SPAG8 (sperm associated antigen 8; minus strand). Cytogenetic location: 9p13.3.
Variant type: single nucleotide variant.
Coding change: c.2858A>G on transcript NM_003995.4 (MANE Select); coding-DNA position 2858, A replaced by G.
Protein change: p.Gln953Arg; replaces glutamine 953 with arginine.
Molecular consequence: missense variant. On other transcripts: intron variant (2).
Genome position (GRCh38, 1-based): chr9:35,808,654, A>G. VCF-style: chr9-35808654-A-G. GRCh37 (hg19) VCF-style: chr9-35808651-A-G.
Other names: c.2867A>G, p.Gln956Arg (NM_001378923.1); c.1201-348T>C (NM_001366760.2); c.1373-348T>C (NM_172312.2); short protein forms Q956R, Q953R.
Identifiers: ClinVar variation 2931329 (VCV002931329.3), dbSNP rs770047763, ClinGen allele CA5052141.